The following is an entry in ClinVar:

ClinVar aggregate classification (germline): Likely pathogenic. Review status: criteria provided, multiple submitters, no conflicts (2 of 4 stars). 2 submissions from 2 submitters: Likely pathogenic (2). Last evaluated 2024-05-22.

Conditions:
Complex cortical dysplasia with other brain malformations 7. Identifiers: Orphanet 300573, MedGen C3552236, MONDO:0012399, OMIM 610031.

Submissions (2):

Broad Center for Mendelian Genomics, Broad Institute of MIT and Harvard
Classification: Likely pathogenic for Complex cortical dysplasia with other brain malformations 7. Last evaluated: 2024-05-22. Review status: criteria provided, single submitter. Criteria: ACMG Guidelines, 2015. Collection method: curation. Allele origin: germline. Inheritance: Autosomal dominant inheritance.
Comment: Trio exome analysis showed this variant to be de novo. The variant has also been reported de novo in one individual with polymicrogyria with other brain anomalies (PMID: 23495813) with confirmed paternity and maternity. It was absent from large population studies. This variant has been reported in ClinVar (Variation ID: 160177) and has been interpreted as likely pathogenic by University of Chicago Genetic Services Laboratory. Computational prediction tools and conservation analyses suggest that this variant may impact the protein, though this information is not predictive enough to determine pathogenicity. The number of missense variants reported in TUBB2B in the general population is lower than expected, suggesting there is little benign variation in this gene and slightly increasing the possibility that a missense variant in this gene may not be tolerated. One additional pathogenic variant, resulting in a different amino acid change at the same position (Arg380Cys) has been reported in association with disease in the literature, supporting that a change at this position may not be tolerated (Variation ID: 1214258). In summary, although additional studies are required to fully establish its clinical significance, this variant is likely pathogenic for autosomal dominant cortical dysplasia, complex, with other brain malformations 7. ACMG/AMP Criteria applied: PS2_Moderate, PM2_Supporting, PP3_Moderate, PP2, PM5 (Richards 2015).

Genetic Services Laboratory, University of Chicago
Classification: Likely pathogenic for Polymicrogyria, symmetric or asymmetric. Last evaluated: 2013-02-08. Review status: criteria provided, single submitter. Criteria: ACMG Guidelines, 2007. Collection method: clinical testing. Allele origin: germline. Inheritance: Autosomal dominant inheritance. Affected: yes.

NM_178012.5(TUBB2B):c.1139G>T (p.Arg380Leu)

Gene: TUBB2B (tubulin beta 2B class IIb; minus strand). Cytogenetic location: 6p25.2.
Variant type: single nucleotide variant.
Coding change: c.1139G>T on transcript NM_178012.5 (MANE Select); coding-DNA position 1139, G replaced by T.
Protein change: p.Arg380Leu; replaces arginine 380 with leucine.
Molecular consequence: missense variant.
Genome position (GRCh38, 1-based): chr6:3,224,950, C>A on the plus strand (G>T on the coding strand, the complement: TUBB2B is on the minus strand). VCF-style: chr6-3224950-C-A. GRCh37 (hg19) VCF-style: chr6-3225184-C-A.
Other names: NM_178012.5(TUBB2B):c.1139G>T; p.Arg380Leu; short protein forms R380L.
Identifiers: ClinVar variation 160177 (VCV000160177.7), dbSNP rs587784498, ClinGen allele CA251173.
Genomic context (GRCh38, chr6:3,224,950, plus strand): 5'-CCCGTGTACCAGTGCAGGAAGGCCTTGCGCCGGAACATGGCCGTGAACTGCTCGGAGATG[C>A]GCTTGAACAGCTCCTGGATGGCCGTGCTGTTGCCGATGAAGGTGGCCGACATCTTCAGGC-3'
Protein context (NP_821080.1, residues 370-390): NSTAIQELFK[Arg380Leu]ISEQFTAMFR